The following is an entry in ClinVar:

ClinVar aggregate classification (germline): Pathogenic (1 of 4 stars; one submission).

Conditions:
Hereditary nonpolyposis colorectal neoplasms. Identifiers: MedGen C0009405, MeSH D003123.

Submission:

Labcorp Genetics (formerly Invitae), Labcorp
Classification: Pathogenic for Hereditary nonpolyposis colorectal neoplasms. Last evaluated: 2022-02-28. Review status: criteria provided, single submitter. Criteria: Invitae Variant Classification Sherloc (09022015). Collection method: clinical testing. Allele origin: germline.
Comment: This sequence change creates a premature translational stop signal (p.Phe1289*) in the MSH6 gene. It is expected to result in an absent or disrupted protein product. Loss-of-function variants in MSH6 are known to be pathogenic (PMID: 18269114, 24362816). This variant is not present in population databases (gnomAD no frequency). This variant has not been reported in the literature in individuals affected with MSH6-related conditions. For these reasons, this variant has been classified as Pathogenic.

Literature cited by the submitters: PubMed 18269114; PubMed 24362816.

NM_000179.3(MSH6):c.3862_3865dup (p.Phe1289Ter)

Gene: MSH6 (mutS homolog 6; plus strand). Cytogenetic location: 2p16.3.
Variant type: Duplication.
Coding change: c.3862_3865dup on transcript NM_000179.3 (MANE Select); coding-DNA positions 3862 to 3865, 4 bases duplicated (AAAT; older notation c.3862_3865dupAAAT).
Protein change: p.Phe1289Ter; replaces phenylalanine 1289 with a stop codon.
Molecular consequence: nonsense.
Genome position (GRCh38, 1-based): chr2:47,806,512-47,806,515, AAAT duplicated; duplicating any 4 consecutive bases within chr2:47,806,510-47,806,515 gives the same sequence; the c. name uses the placement nearest the transcript's 3' end. VCF-style (leftmost placement, unchanged base first): chr2-47806509-T-TATAA. GRCh37 (hg19) VCF-style: chr2-48033648-T-TATAA.
Other names: c.3472_3475dup, p.Phe1159Ter (NM_001281492.2); c.2956_2959dup, p.Phe987Ter (NM_001281493.2, NM_001281494.2); short protein forms F987*, F1159*, F1289*.
Identifiers: ClinVar variation 1383189 (VCV001383189.6), dbSNP rs2104556348, ClinGen allele CA2573134789.